The following is an entry in ClinVar:

ClinVar aggregate classification (germline): Uncertain significance (1 of 4 stars; one submission).

Conditions:
Polycystic kidney disease, adult type (PKD1). Also called: POLYCYSTIC KIDNEY DISEASE 1 WITH OR WITHOUT POLYCYSTIC LIVER DISEASE; POLYCYSTIC KIDNEY DISEASE, ADULT, TYPE I; Polycystic Kidney, Autosomal Dominant; Polycystic Kidney Disease 1, Autosomal Dominant; Polycystic kidney disease 1; Polycystic kidney disease 1, severe. Identifiers: MedGen C3149841, MONDO:0008263, OMIM 173900.

Submission:

ARUP Laboratories, Molecular Genetics and Genomics, ARUP Laboratories
Classification: Uncertain significance for Polycystic kidney disease, adult type. Last evaluated: 2018-07-03. Review status: criteria provided, single submitter. Criteria: ARUP Molecular Germline Variant Investigation Process. Collection method: clinical testing. Allele origin: germline.
Comment: The PKD1 c.2105T>G; p.Leu702Arg variant, to our knowledge, is not reported in the medical literature or in gene-specific databases. It is also absent from general population databases (1000 Genomes Project, Exome Variant Server, and Genome Aggregation Database), indicating it is not a common polymorphism. The leucine at codon 702 is weakly conserved, but computational algorithms (PolyPhen-2: benign, SIFT: damaging) are inconclusive on the effects of this variant on protein structure/function. Due to lack of clinical and functional data regarding this variant, its clinical significance cannot be determined with certainty.

NM_001009944.3(PKD1):c.2105T>G (p.Leu702Arg)

Gene: PKD1 (polycystin 1, transient receptor potential channel interacting; minus strand). Cytogenetic location: 16p13.3.
Variant type: single nucleotide variant.
Coding change: c.2105T>G on transcript NM_001009944.3 (MANE Select); coding-DNA position 2105, T replaced by G.
Protein change: p.Leu702Arg; replaces leucine 702 with arginine.
Molecular consequence: missense variant.
Genome position (GRCh38, 1-based): chr16:2,114,918, A>C on the plus strand (T>G on the coding strand, the complement: PKD1 is on the minus strand). VCF-style: chr16-2114918-A-C. GRCh37 (hg19) VCF-style: chr16-2164919-A-C.
Other names: c.2105T>G, p.Leu702Arg (NM_000296.4); short protein forms L702R.
Identifiers: ClinVar variation 811079 (VCV000811079.8), dbSNP rs1596577674, ClinGen allele CA394389385.
Genomic context (GRCh38, chr16:2,114,918, plus strand): 5'-CCAGCGTCGTGCTGCAAGCCAACGAGGTCACCAGGGAGCATGAGGACATCCTGGCCGTGG[A>C]GGGTGACCTGTGGAGAGGGAGGCAGGGCTGCATCACGTCCTCACGGTCATGGCCCGTGGA-3'
Protein context (NP_001009944.3, residues 692-712): AGPPAQYSVT[Leu702Arg]HGQDVLMLPG